The following is an entry in ClinVar:

NM_001813.3(CENPE):c.7222C>A (p.Gln2408Lys)

Gene: CENPE (centromere protein E; minus strand). Cytogenetic location: 4q24.
Variant type: single nucleotide variant.
Coding change: c.7222C>A on transcript NM_001813.3 (MANE Select); coding-DNA position 7222, C replaced by A.
Protein change: p.Gln2408Lys; replaces glutamine 2408 with lysine.
Molecular consequence: missense variant.
Genome position (GRCh38, 1-based): chr4:103,120,255, G>T on the plus strand (C>A on the coding strand, the complement: CENPE is on the minus strand). VCF-style: chr4-103120255-G-T. GRCh37 (hg19) VCF-style: chr4-104041412-G-T.
Other names: c.6859C>A, p.Gln2287Lys (NM_001286734.2); short protein forms Q2408K, Q2287K.
Identifiers: ClinVar variation 285171 (VCV000285171.12), dbSNP rs140630684, ClinGen allele CA3029196.

ClinVar aggregate classification (germline): Likely benign. Review status: criteria provided, multiple submitters, no conflicts (2 of 4 stars). 3 submissions from 3 submitters: Likely benign (3). Last evaluated 2019-12-31.

Allele frequency attached by ClinVar (database versions not stated): gnomAD exomes 0.00010 and 0.00039; ExAC 0.00052; gnomAD 0.00119 and 0.00128; TOPMed 0.00126; 1000 Genomes Project 0.00180; 1000 Genomes Project 30x 0.00187; ESP Exome Variant Server 0.00215.
gnomAD v4.1: 338 of 1,612,348 alleles (0.021%); highest among the groups gnomAD compares: African/African-American, 0.38%; 1 homozygote.

Submissions (3):

Labcorp Genetics (formerly Invitae), Labcorp
Classification: Likely benign. Last evaluated: 2019-12-31. Review status: criteria provided, single submitter. Criteria: Invitae Variant Classification Sherloc (09022015). Collection method: clinical testing. Allele origin: germline.

GeneDx
Classification: Likely benign. Last evaluated: 2019-09-30. Review status: criteria provided, single submitter. Criteria: GeneDx Variant Classification Process June 2021. Collection method: clinical testing. Allele origin: germline. Affected: yes.
Comment: This variant is associated with the following publications: (PMID: 22974711)

Eurofins Ntd Llc (ga)
Classification: Likely benign. Last evaluated: 2015-12-23. Review status: criteria provided, single submitter. Criteria: EGL Classification Definitions 2015. Collection method: clinical testing. Allele origin: germline. Observed: 3 variant alleles, 3 heterozygotes.